The following is an entry in ClinVar:

NM_006642.5(SDCCAG8):c.1373G>A (p.Arg458His)

Gene: SDCCAG8 (SHH signaling and ciliogenesis regulator SDCCAG8; plus strand). Cytogenetic location: 1q43.
Variant type: single nucleotide variant.
Coding change: c.1373G>A on transcript NM_006642.5 (MANE Select); coding-DNA position 1373, G replaced by A.
Protein change: p.Arg458His; replaces arginine 458 with histidine.
Molecular consequence: missense variant.
Genome position (GRCh38, 1-based): chr1:243,344,231, G>A. VCF-style: chr1-243344231-G-A. GRCh37 (hg19) VCF-style: chr1-243507533-G-A.
Other names: c.470G>A, p.Arg157His (NM_001350246.2, NM_001350247.2, NM_001350251.2); c.1469G>A, p.Arg490His (NM_001350248.2); c.1079G>A, p.Arg360His (NM_001350249.2); c.1373G>A (NM_006642.3); short protein forms R157H, R490H, R360H, R458H.
Identifiers: ClinVar variation 1507559 (VCV001507559.9), dbSNP rs748784645, ClinGen allele CA1483634.
Genomic context (GRCh38, chr1:243,344,231, plus strand): 5'-GTAGATTCCAGCAGGTAATCATCCAGTTTTTTACAATCTAACAGGTGTGTGGAGAAATGC[G>A]CTATCAGCTGAATAAAACCAACATGGAGAAGGATGAGGCAGAAAAGGAGCACAGAGAGTT-3'
Protein context (NP_006633.1, residues 448-468): MDVTKVCGEM[Arg458His]YQLNKTNMEK

ClinVar aggregate classification (germline): Uncertain significance. Review status: criteria provided, multiple submitters, no conflicts (2 of 4 stars). 3 submissions from 3 submitters: Uncertain significance (3). Last evaluated 2025-06-10.

Conditions:
Bardet-Biedl syndrome 16 (BBS16). Identifiers: Orphanet 110, MedGen C3889474, MONDO:0014444, OMIM 615993.
Senior-Loken syndrome 7 (SLSN7). Identifiers: Orphanet 3156, MedGen C3150877, MONDO:0013326, OMIM 613615.
SDCCAG8-related disorder. Also called: SDCCAG8-related condition; SDCCAG8-Related Disorders.

Allele frequency attached by ClinVar (database versions not stated): gnomAD exomes 0.00001; ExAC 0.00002; TOPMed 0.00002; gnomAD 0.00003.
gnomAD v4.1: 17 of 1,613,686 alleles (0.0011%); highest among the groups gnomAD compares: East Asian, 0.0022%; no homozygotes.

Submissions (3):

PreventionGenetics, part of Exact Sciences
Classification: Uncertain significance for SDCCAG8-related condition. Last evaluated: 2025-06-10. Review status: criteria provided, single submitter. Criteria: ACMG Guidelines, 2015. Collection method: clinical testing. Allele origin: germline.
Comment: The SDCCAG8 c.1373G>A variant is predicted to result in the amino acid substitution p.Arg458His. To our knowledge, this variant has not been reported in the literature. This variant is reported in 0.0026% of alleles in individuals of European (non-Finnish) descent in gnomAD. At this time, the clinical significance of this variant is uncertain due to the absence of conclusive functional and genetic evidence.

Labcorp Genetics (formerly Invitae), Labcorp
Classification: Uncertain significance for Bardet-Biedl syndrome 16; Senior-Loken syndrome 7. Last evaluated: 2022-10-24. Review status: criteria provided, single submitter. Criteria: Invitae Variant Classification Sherloc (09022015). Collection method: clinical testing. Allele origin: germline.
Comment: This sequence change replaces arginine, which is basic and polar, with histidine, which is basic and polar, at codon 458 of the SDCCAG8 protein (p.Arg458His). This variant is present in population databases (rs748784645, gnomAD 0.002%). This variant has not been reported in the literature in individuals affected with SDCCAG8-related conditions. ClinVar contains an entry for this variant (Variation ID: 1507559). Advanced modeling of protein sequence and biophysical properties (such as structural, functional, and spatial information, amino acid conservation, physicochemical variation, residue mobility, and thermodynamic stability) performed at Invitae indicates that this missense variant is not expected to disrupt SDCCAG8 protein function. In summary, the available evidence is currently insufficient to determine the role of this variant in disease. Therefore, it has been classified as a Variant of Uncertain Significance.

Fulgent Genetics
Classification: Uncertain significance for Senior-Loken syndrome 7; Bardet-Biedl syndrome 16. Last evaluated: 2022-03-11. Review status: criteria provided, single submitter. Criteria: ACMG Guidelines, 2015. Collection method: clinical testing. Allele origin: unknown.